The following is an entry in ClinVar:

ClinVar aggregate classification (germline): Uncertain significance (1 of 4 stars; one submission).

Conditions:
Familial thoracic aortic aneurysm and aortic dissection (TAAD). Also called: Thoracic aortic aneurysms and dissections. Identifiers: Orphanet 91387, MedGen C4707243, MONDO:0019625.

gnomAD v4.1: 3 of 1,612,936 alleles (0.00019%); highest among the groups gnomAD compares: South Asian, 0.0033%; 1 homozygote.

Submission:

Ambry Genetics
Classification: Uncertain significance for Familial thoracic aortic aneurysm and aortic dissection. Last evaluated: 2026-01-02. Review status: criteria provided, single submitter. Criteria: Ambry Variant Classification Scheme 2023. Collection method: clinical testing. Allele origin: germline.
Comment: The p.N798H variant (also known as c.2392A>C), located in coding exon 15 of the NOTCH1 gene, results from an A to C substitution at nucleotide position 2392. The asparagine at codon 798 is replaced by histidine, an amino acid with similar properties. This amino acid position is conserved. In addition, the in silico prediction for this alteration is inconclusive. Based on the available evidence, the clinical significance of this variant remains unclear.

NM_017617.5(NOTCH1):c.2392A>C (p.Asn798His)

Gene: NOTCH1 (notch receptor 1; minus strand). Cytogenetic location: 9q34.3.
Variant type: single nucleotide variant.
Coding change: c.2392A>C on transcript NM_017617.5 (MANE Select); coding-DNA position 2392, A replaced by C.
Protein change: p.Asn798His; replaces asparagine 798 with histidine.
Molecular consequence: missense variant.
Genome position (GRCh38, 1-based): chr9:136,513,096, T>G on the plus strand (A>C on the coding strand, the complement: NOTCH1 is on the minus strand). VCF-style: chr9-136513096-T-G. GRCh37 (hg19) VCF-style: chr9-139407548-T-G.
Other names: short protein forms N798H.
Identifiers: ClinVar variation 4843314 (VCV004843314.1).